The following is an entry in ClinVar:

NM_004963.4(GUCY2C):c.331-5T>C

Genes: GUCY2C (guanylate cyclase 2C; minus strand), GUCY2C-AS1 (GUCY2C antisense RNA 1; plus strand). Cytogenetic location: 12p12.3.
Variant type: single nucleotide variant.
Coding change: c.331-5T>C on transcript NM_004963.4 (MANE Select); 5 bases into the intron before coding-DNA position 331, T replaced by C.
Molecular consequence: intron variant.
Genome position (GRCh38, 1-based): chr12:14,686,230, A>G on the plus strand (T>C on the coding strand, the complement: GUCY2C is on the minus strand). VCF-style: chr12-14686230-A-G. GRCh37 (hg19) VCF-style: chr12-14839164-A-G.
Identifiers: ClinVar variation 720871 (VCV000720871.47), dbSNP rs182209628, ClinGen allele CA6463774.

ClinVar aggregate classification (germline): Benign/Likely benign. Review status: criteria provided, multiple submitters, no conflicts (2 of 4 stars). 5 submissions from 5 submitters: Benign (2); Likely benign (2). 1 of the submissions does not count toward it. Last evaluated 2026-01-08.

Conditions:
GUCY2C-related disorder. Also called: GUCY2C-related condition.

Allele frequency attached by ClinVar (database versions not stated): 1000 Genomes Project 0.00020; 1000 Genomes Project 30x 0.00031; TOPMed 0.00077; ESP Exome Variant Server 0.00085; gnomAD exomes 0.00086 and 0.00092; gnomAD 0.00100 and 0.00107; ExAC 0.00111.
gnomAD v4.1: 1,398 of 1,596,438 alleles (0.088%); highest among the groups gnomAD compares: Non-Finnish European, 0.095%; 3 homozygotes.

Submissions (5):

Labcorp Genetics (formerly Invitae), Labcorp
Classification: Benign. Last evaluated: 2026-01-08. Review status: criteria provided, single submitter. Criteria: Invitae Variant Classification Sherloc (09022015). Collection method: clinical testing. Allele origin: germline.

Laboratory of Genetics, Children's Clinical University Hospital Latvia
Classification: Benign. Last evaluated: 2025-02-16. Review status: criteria provided, single submitter. Criteria: ACMG Guidelines, 2015. Collection method: clinical testing. Allele origin: germline. Affected: yes.

Blueprint Genetics
Classification: Likely benign. Last evaluated: 2024-11-27. Review status: criteria provided, single submitter. Criteria: ACMG Guidelines, 2015. Collection method: clinical testing. Allele origin: germline.

CeGaT Center for Human Genetics Tuebingen
Classification: Likely benign. Last evaluated: 2021-04-01. Review status: criteria provided, single submitter. Criteria: CeGaT Center For Human Genetics Tuebingen Variant Classification Criteria Version 2. Collection method: clinical testing. Allele origin: germline. Affected: yes. Observed: 1 variant allele.

PreventionGenetics, part of Exact Sciences
Classification: Likely benign for GUCY2C-related condition. Last evaluated: 2019-05-24. Review status: no assertion criteria provided. Collection method: clinical testing. Allele origin: germline. Not counted in ClinVar's aggregate classification.
Comment: This variant is classified as likely benign based on ACMG/AMP sequence variant interpretation guidelines (Richards et al. 2015 PMID: 25741868, with internal and published modifications).